The following is an entry in ClinVar:

ClinVar aggregate classification (germline): Uncertain significance (1 of 4 stars; one submission).

Allele frequency attached by ClinVar (database versions not stated): ExAC 0.00003; gnomAD 0.00009; gnomAD exomes 0.00009; TOPMed 0.00009; ESP Exome Variant Server 0.00023.
gnomAD v4.1: 137 of 1,603,470 alleles (0.0085%); highest among the groups gnomAD compares: Non-Finnish European, 0.011%; 1 homozygote.

Submission:

Ambry Genetics
Classification: Uncertain significance. Last evaluated: 2024-11-11. Review status: criteria provided, single submitter. Criteria: Ambry Variant Classification Scheme 2023. Collection method: clinical testing. Allele origin: germline.
Comment: The p.F1388I variant (also known as c.4162T>A), located in coding exon 4 of the ALPK2 gene, results from a T to A substitution at nucleotide position 4162. The phenylalanine at codon 1388 is replaced by isoleucine, an amino acid with highly similar properties. This amino acid position is conserved. In addition, this alteration is predicted to be tolerated by in silico analysis. Since supporting evidence is limited at this time, the clinical significance of this alteration remains unclear.

NM_052947.4(ALPK2):c.4162T>A (p.Phe1388Ile)

Genes: ALPK2 (alpha kinase 2; minus strand), LOC126862764 (BRD4-independent group 4 enhancer GRCh37_chr18:56202574-56203773; plus strand). Cytogenetic location: 18q21.31.
Variant type: single nucleotide variant.
Coding change: c.4162T>A on transcript NM_052947.4 (MANE Select); coding-DNA position 4162, T replaced by A.
Protein change: p.Phe1388Ile; replaces phenylalanine 1388 with isoleucine.
Molecular consequence: missense variant.
Genome position (GRCh38, 1-based): chr18:58,536,025, A>T on the plus strand (T>A on the coding strand, the complement: ALPK2 is on the minus strand). VCF-style: chr18-58536025-A-T. GRCh37 (hg19) VCF-style: chr18-56203257-A-T.
Other names: short protein forms F1388I.
Identifiers: ClinVar variation 2450670 (VCV002450670.3), dbSNP rs143492543, ClinGen allele CA8976761.